The following is an entry in ClinVar:

NM_020765.3(UBR4):c.2681G>T (p.Gly894Val)

Gene: UBR4 (ubiquitin protein ligase E3 component n-recognin 4; minus strand). Cytogenetic location: 1p36.13.
Variant type: single nucleotide variant.
Coding change: c.2681G>T on transcript NM_020765.3 (MANE Select); coding-DNA position 2681, G replaced by T.
Protein change: p.Gly894Val; replaces glycine 894 with valine.
Molecular consequence: missense variant.
Genome position (GRCh38, 1-based): chr1:19,176,684, C>A on the plus strand (G>T on the coding strand, the complement: UBR4 is on the minus strand). VCF-style: chr1-19176684-C-A. GRCh37 (hg19) VCF-style: chr1-19503178-C-A.
Other names: short protein forms G894V.
Identifiers: ClinVar variation 723733 (VCV000723733.29), dbSNP rs143130698, ClinGen allele CA651350.

ClinVar aggregate classification (germline): Likely benign. Review status: criteria provided, multiple submitters, no conflicts (2 of 4 stars). 3 submissions from 3 submitters: Likely benign (3). Last evaluated 2023-03-01.

Allele frequency attached by ClinVar (database versions not stated): gnomAD exomes 0.00038 and 0.00069; ExAC 0.00063; ESP Exome Variant Server 0.00085; TOPMed 0.00123; gnomAD 0.00131 and 0.00135; 1000 Genomes Project 0.00300; 1000 Genomes Project 30x 0.00359.
gnomAD v4.1: 777 of 1,614,080 alleles (0.048%); highest among the groups gnomAD compares: African/African-American, 0.36%; no homozygotes.

Submissions (3):

CeGaT Center for Human Genetics Tuebingen
Classification: Likely benign. Last evaluated: 2023-03-01. Review status: criteria provided, single submitter. Criteria: CeGaT Center For Human Genetics Tuebingen Variant Classification Criteria Version 2. Collection method: clinical testing. Allele origin: germline. Affected: yes. Observed: 1 variant allele.
Comment: UBR4: PP2, BP4, BS1

Labcorp Genetics (formerly Invitae), Labcorp
Classification: Likely benign. Last evaluated: 2019-12-31. Review status: criteria provided, single submitter. Criteria: Invitae Variant Classification Sherloc (09022015). Collection method: clinical testing. Allele origin: germline.

Breakthrough Genomics
Classification: Likely benign. Review status: criteria provided, single submitter. Criteria: ACMG Guidelines, 2015. Collection method: not provided. Allele origin: germline. Inheritance: Unknown mechanism. Affected: yes.